The following is an entry in ClinVar:

ClinVar aggregate classification (germline): Likely pathogenic (1 of 4 stars; one submission).

Conditions:
Developmental and epileptic encephalopathy 94 (DEE94). Also called: Epileptic encephalopathy, childhood-onset; CHD2-Related Neurodevelopmental Disorders. Identifiers: Orphanet 1942, Orphanet 2382, MedGen C3809278, MONDO:0014150, OMIM 615369.

gnomAD v4.1: 8 of 1,614,058 alleles (0.0005%); highest among the groups gnomAD compares: South Asian, 0.0011%; no homozygotes.

Submission:

Next Generation Genetic Polyclinic
Classification: Likely pathogenic for Developmental and epileptic encephalopathy 94. Last evaluated: 2025-08-02. Review status: criteria provided, single submitter. Criteria: ACMG Guidelines, 2015. Collection method: clinical testing. Allele origin: germline. Inheritance: Autosomal dominant inheritance. Affected: yes. Observed: 1 heterozygote.
Comment: The variant CHD2 c.4739G>A (p.Arg1580His) has been classified as likely pathogenic. This classification is based on comprehensive in silico analyses supporting potential deleterious impact on protein function, combined with observed phenotype correlation in affected individuals. Further functional studies are warranted to confirm pathogenicity, but current evidence aligns with a likely pathogenic designation.

NM_001271.4(CHD2):c.4739G>A (p.Arg1580His)

Gene: CHD2 (chromodomain helicase DNA binding protein 2; plus strand). Cytogenetic location: 15q26.1.
Variant type: single nucleotide variant.
Coding change: c.4739G>A on transcript NM_001271.4 (MANE Select); coding-DNA position 4739, G replaced by A.
Protein change: p.Arg1580His; replaces arginine 1580 with histidine.
Molecular consequence: missense variant.
Genome position (GRCh38, 1-based): chr15:93,014,742, G>A. VCF-style: chr15-93014742-G-A. GRCh37 (hg19) VCF-style: chr15-93557972-G-A.
Other names: short protein forms R1580H.
Identifiers: ClinVar variation 4073521 (VCV004073521.1).